The following is an entry in ClinVar:

ClinVar aggregate classification (germline): Uncertain significance (1 of 4 stars; one submission).

Allele frequency attached by ClinVar (database versions not stated): ExAC 0.00001; gnomAD 0.00003; TOPMed 0.00003; ESP Exome Variant Server 0.00008.

Submission:

Labcorp Genetics (formerly Invitae), Labcorp
Classification: Uncertain significance. Last evaluated: 2023-08-16. Review status: criteria provided, single submitter. Criteria: Invitae Variant Classification Sherloc (09022015). Collection method: clinical testing. Allele origin: germline.
Comment: In summary, the available evidence is currently insufficient to determine the role of this variant in disease. Therefore, it has been classified as a Variant of Uncertain Significance. This variant has not been reported in the literature in individuals affected with WNT1-related conditions. An algorithm developed to predict the effect of missense changes on protein structure and function (PolyPhen-2) suggests that this variant is likely to be disruptive. The frequency data for this variant in the population databases is considered unreliable, as metrics indicate poor data quality at this position in the gnomAD database. This sequence change replaces alanine, which is neutral and non-polar, with valine, which is neutral and non-polar, at codon 27 of the WNT1 protein (p.Ala27Val).

NM_005430.4(WNT1):c.80C>T (p.Ala27Val)

Gene: WNT1 (Wnt family member 1; plus strand). Cytogenetic location: 12q13.12.
Variant type: single nucleotide variant.
Coding change: c.80C>T on transcript NM_005430.4 (MANE Select); coding-DNA position 80, C replaced by T.
Protein change: p.Ala27Val; replaces alanine 27 with valine.
Molecular consequence: missense variant.
Genome position (GRCh38, 1-based): chr12:48,978,730, C>T. VCF-style: chr12-48978730-C-T. GRCh37 (hg19) VCF-style: chr12-49372513-C-T.
Other names: short protein forms A27V.
Identifiers: ClinVar variation 2984106 (VCV002984106.3), dbSNP rs370761299, ClinGen allele CA6544308.